The following is an entry in ClinVar:

NM_001379659.1(ZNF142):c.4217A>G (p.Asp1406Gly)

Gene: ZNF142 (zinc finger protein 142; minus strand). Cytogenetic location: 2q35.
Variant type: single nucleotide variant.
Coding change: c.4217A>G on transcript NM_001379659.1 (MANE Select); coding-DNA position 4217, A replaced by G.
Protein change: p.Asp1406Gly; replaces aspartic acid 1406 with glycine.
Molecular consequence: missense variant.
Genome position (GRCh38, 1-based): chr2:218,642,899, T>C on the plus strand (A>G on the coding strand, the complement: ZNF142 is on the minus strand). VCF-style: chr2-218642899-T-C. GRCh37 (hg19) VCF-style: chr2-219507622-T-C.
Other names: c.3128A>G, p.Asp1043Gly (NM_001366289.3, NM_001366287.3, NM_001366288.3); c.4217A>G, p.Asp1406Gly (NM_001366290.3, NM_001379660.1, NM_001379661.1); c.3617A>G, p.Asp1206Gly (NM_001366291.3, NM_001379662.1, NM_001105537.5); short protein forms D1043G, D1206G, D1406G.
Identifiers: ClinVar variation 2508997 (VCV002508997.3), dbSNP rs376888579, ClinGen allele CA2108829.

ClinVar aggregate classification (germline): Uncertain significance. Review status: criteria provided, multiple submitters, no conflicts (2 of 4 stars). 2 submissions from 2 submitters: Uncertain significance (2). Last evaluated 2023-11-27.

Conditions:
Inborn genetic diseases. Identifiers: MedGen C0950123, MeSH D030342.

Allele frequency attached by ClinVar (database versions not stated): ESP Exome Variant Server 0.00008; ExAC 0.00005.
gnomAD v4.1: 115 of 1,613,858 alleles (0.0071%); highest among the groups gnomAD compares: Non-Finnish European, 0.0088%; no homozygotes.

Submissions (2):

GeneDx
Classification: Uncertain significance. Last evaluated: 2023-11-27. Review status: criteria provided, single submitter. Criteria: GeneDx Variant Classification Process June 2021. Collection method: clinical testing. Allele origin: germline. Affected: yes.
Comment: In silico analysis supports that this missense variant has a deleterious effect on protein structure/function; Has not been previously published as pathogenic or benign to our knowledge

Ambry Genetics
Classification: Uncertain significance for Inborn genetic diseases. Last evaluated: 2023-05-23. Review status: criteria provided, single submitter. Criteria: Ambry Variant Classification Scheme 2023. Collection method: clinical testing. Allele origin: germline.